The following is an entry in ClinVar:

ClinVar aggregate classification (germline): Pathogenic/Likely pathogenic. Review status: criteria provided, multiple submitters, no conflicts (2 of 4 stars). 2 submissions from 2 submitters: Pathogenic (1); Likely pathogenic (1). Last evaluated 2026-01-19.

Conditions:
Iodotyrosyl coupling defect (TDH3). Also called: HYPOTHYROIDISM, CONGENITAL, DUE TO DYSHORMONOGENESIS, 3; THYROID HORMONOGENESIS, GENETIC DEFECT IN, 3. Identifiers: Orphanet 95716, MedGen C0342194, MONDO:0010135, OMIM 274700.
Autoimmune thyroid disease, susceptibility to, 3. Identifiers: MedGen C1842444, MONDO:0011982, OMIM 608175.

gnomAD v4.1: 20 of 1,613,532 alleles (0.0012%); highest among the groups gnomAD compares: Non-Finnish European, 0.0016%; no homozygotes.

Submissions (2):

Labcorp Genetics (formerly Invitae), Labcorp
Classification: Pathogenic. Last evaluated: 2026-01-19. Review status: criteria provided, single submitter. Criteria: Invitae Variant Classification Sherloc (09022015). Collection method: clinical testing. Allele origin: germline.
Comment: This sequence change creates a premature translational stop signal (p.Arg2530*) in the TG gene. It is expected to result in an absent or disrupted protein product. Loss-of-function variants in TG are known to be pathogenic (PMID: 19837936, 23164529). The frequency data for this variant in the population databases is considered unreliable, as metrics indicate poor data quality at this position in the gnomAD database. This variant has not been reported in the literature in individuals affected with TG-related conditions. ClinVar contains an entry for this variant (Variation ID: 3595279). For these reasons, this variant has been classified as Pathogenic.

Fulgent Genetics
Classification: Likely pathogenic for Iodotyrosyl coupling defect; Autoimmune thyroid disease, susceptibility to, 3. Last evaluated: 2024-04-16. Review status: criteria provided, single submitter. Criteria: ACMG Guidelines, 2015. Collection method: clinical testing. Allele origin: germline.

Literature cited by the submitters: PubMed 19837936 (cited by Labcorp Genetics (formerly Invitae), Labcorp); PubMed 23164529 (cited by Labcorp Genetics (formerly Invitae), Labcorp).

NM_003235.5(TG):c.7588C>T (p.Arg2530Ter)

Gene: TG (thyroglobulin; plus strand). Cytogenetic location: 8q24.22.
Variant type: single nucleotide variant.
Coding change: c.7588C>T on transcript NM_003235.5 (MANE Select); coding-DNA position 7588, C replaced by T.
Protein change: p.Arg2530Ter; replaces arginine 2530 with a stop codon.
Molecular consequence: nonsense.
Genome position (GRCh38, 1-based): chr8:133,113,437, C>T. VCF-style: chr8-133113437-C-T. GRCh37 (hg19) VCF-style: chr8-134125681-C-T.
Other names: short protein forms R2530*.
Identifiers: ClinVar variation 3595279 (VCV003595279.2).
Genomic context (GRCh38, chr8:133,113,437, plus strand): 5'-TTTCAGAATCCAACTGAGGAATTTCGTATCTTTTTTTTTTTCTAGCAATTTGAGGAAAGT[C>T]GAGGCCGGACCAGTAGCAAAACAGCCTTTTACCAGGCACTGCAGAATTCTCTGGGTGGCG-3'